The following is an entry in ClinVar:

ClinVar aggregate classification (germline): Likely pathogenic (1 of 4 stars; one submission).

Conditions:
Autosomal recessive polycystic kidney disease (ARPKD). Also called: AR polycystic kidney disease. Identifiers: Orphanet 731, Orphanet 8378, MedGen C0085548, MeSH D017044, MONDO:0009889.

Submission:

Natera, Inc.
Classification: Likely pathogenic for Autosomal recessive polycystic kidney disease. Last evaluated: 2025-02-27. Review status: criteria provided, single submitter. Criteria: Natera Variant Classification Schema (03/2026). Collection method: clinical testing. Allele origin: germline.
Comment: The c.2199del variant in PKHD1 is a frameshift variant predicted to shift the reading frame beginning at codon 734 and leads to a stop codon 43 codons downstream. This variant is expected to result in nonsense mediated decay, truncation, or a dysfunctional protein product. This variant is rare in the general population with a frequency below the threshold expected for the associated phenotype(s). Given the available evidence, this variant is classified as Likely Pathogenic.

NM_138694.4(PKHD1):c.2199del (p.Val734fs)

Gene: PKHD1 (PKHD1 ciliary IPT domain containing fibrocystin/polyductin; minus strand). Cytogenetic location: 6p12.2.
Variant type: Deletion.
Coding change: c.2199del on transcript NM_138694.4 (MANE Select); coding-DNA position 2199, one base deleted (T; older notation c.2199delT).
Protein change: p.Val734fs; shifts the reading frame from valine 734.
Molecular consequence: frameshift variant.
Genome position (GRCh38, 1-based): chr6:52,050,237, A deleted on the plus strand (T on the coding strand, the reverse complement: PKHD1 is on the minus strand). VCF-style (leftmost placement, unchanged base first): chr6-52050236-CA-C. GRCh37 (hg19) VCF-style: chr6-51915034-CA-C.
Other names: c.2199del, p.Val734fs (NM_170724.3); short protein forms V734fs.
Identifiers: ClinVar variation 4060202 (VCV004060202.2).
Genomic context (GRCh38, chr6:52,050,236, plus strand): 5'-GCTCCGTGCCACACCCCGCCAGCCAGGAGGTGACACTGTAGACCGGAGGGGATCCCACCA[CA>C]GAGACTGATTCCACCAGATTGCCCCCTGGGCGAGCCGTTCCAGAATCAGCTTGAGAAACT-3'